The following is an entry in ClinVar:

NM_000021.4(PSEN1):c.1017A>G (p.Glu339=)

Gene: PSEN1 (presenilin 1; plus strand). Cytogenetic location: 14q24.2.
Variant type: single nucleotide variant.
Coding change: c.1017A>G on transcript NM_000021.4 (MANE Select); coding-DNA position 1017, A replaced by G.
Protein change: p.Glu339=; no amino-acid change (glutamic acid 339 retained).
Molecular consequence: synonymous variant.
Genome position (GRCh38, 1-based): chr14:73,211,830, A>G. VCF-style: chr14-73211830-A-G. GRCh37 (hg19) VCF-style: chr14-73678538-A-G.
Other names: c.1005A>G, p.Glu335= (NM_007318.3).
Identifiers: ClinVar variation 254713 (VCV000254713.27), dbSNP rs201776669, ClinGen allele CA7256904.

ClinVar aggregate classification (germline): Conflicting classifications of pathogenicity. Review status: criteria provided, conflicting classifications (1 of 4 stars). 8 submissions from 7 submitters: Uncertain significance (1); Benign (1); Likely benign (4). 2 of the submissions do not count toward it. Last evaluated 2025-12-21.

Conditions:
Frontotemporal dementia (FTD1). Also called: Frontotemporal lobe dementia (FLDEM); WILHELMSEN-LYNCH DISEASE; FRONTOTEMPORAL DEMENTIA WITH PARKINSONISM; FRONTOTEMPORAL LOBE DEMENTIA; MULTIPLE SYSTEM TAUOPATHY WITH PRESENILE DEMENTIA; FRONTOTEMPORAL LOBAR DEGENERATION WITH TAU INCLUSIONS. Identifiers: Orphanet 282, MedGen C0338451, MONDO:0017276, OMIM 600274, HP:0002145.
Pick disease. Also called: Pick Disease of the Brain; LOBAR ATROPHY OF BRAIN; Pick's disease; PICK DISEASE OF BRAIN; DEMENTIA WITH LOBAR ATROPHY AND NEURONAL CYTOPLASMIC INCLUSIONS. Identifiers: Orphanet 282, MedGen C0236642, MONDO:0008243, OMIM 172700.
Alzheimer disease 3 (AD3). Also called: ALZHEIMER DISEASE, FAMILIAL, 3. Identifiers: Orphanet 1020, MedGen C1843013, MONDO:0011913, OMIM 607822.
Acne inversa, familial, 3 (ACNINV3). Identifiers: MedGen C3151038, MONDO:0013398, OMIM 613737.
Dilated cardiomyopathy 1U. Identifiers: Orphanet 154, MedGen C3160720, MONDO:0013371, OMIM 613694.

Allele frequency attached by ClinVar (database versions not stated): ESP Exome Variant Server 0.00023; gnomAD exomes 0.00033 and 0.00055; 1000 Genomes Project 0.00040; ExAC 0.00040; gnomAD 0.00041 and 0.00046; 1000 Genomes Project 30x 0.00047; TOPMed 0.00058.
gnomAD v4.1: 586 of 1,614,078 alleles (0.036%); highest among the groups gnomAD compares: Middle Eastern, 0.31%; 1 homozygote.

Submissions (8):

Labcorp Genetics (formerly Invitae), Labcorp
Classification: Benign for Alzheimer disease 3; Pick disease; Acne inversa, familial, 3; Frontotemporal dementia. Last evaluated: 2025-12-21. Review status: criteria provided, single submitter. Criteria: Invitae Variant Classification Sherloc (09022015). Collection method: clinical testing. Allele origin: germline.

Women's Health and Genetics/Laboratory Corporation of America, LabCorp
Classification: Likely benign. Last evaluated: 2025-11-03. Review status: criteria provided, single submitter. Criteria: LabCorp Variant Classification Summary - May 2015. Collection method: clinical testing. Allele origin: germline.

Blueprint Genetics
Classification: Likely benign. Last evaluated: 2024-11-04. Review status: criteria provided, single submitter. Criteria: ACMG Guidelines, 2015. Collection method: clinical testing. Allele origin: germline.

Illumina Laboratory Services, Illumina
Classification: Uncertain significance for Dilated cardiomyopathy 1U. Last evaluated: 2018-01-13. Review status: criteria provided, single submitter. Criteria: ICSL Variant Classification Criteria 13 December 2019. Collection method: clinical testing. Allele origin: germline.

Illumina Laboratory Services, Illumina
Classification: Likely benign for Alzheimer disease 3. Last evaluated: 2018-01-13. Review status: criteria provided, single submitter. Criteria: ICSL Variant Classification Criteria 13 December 2019. Collection method: clinical testing. Allele origin: germline.
Comment: This variant was observed in the ICSL laboratory as part of a predisposition screen in an ostensibly healthy population. It had not been previously curated by ICSL or reported in the Human Gene Mutation Database (HGMD: prior to June 1st, 2018), and was therefore a candidate for classification through an automated scoring system. Utilizing variant allele frequency, disease prevalence and penetrance estimates, and inheritance mode, an automated score was calculated to assess if this variant is too frequent to cause the disease. Based on the score and internal cut-off values, a variant classified as likely benign is not then subjected to further curation. The score for this variant resulted in a classification of likely benign for this disease.

PreventionGenetics, part of Exact Sciences
Classification: Likely benign. Review status: criteria provided, single submitter. Criteria: ACMG Guidelines, 2015. Collection method: clinical testing. Allele origin: germline.

Clinical Genetics DNA and cytogenetics Diagnostics Lab, Erasmus MC, Erasmus Medical Center
Classification: Likely benign. Review status: no assertion criteria provided. Collection method: clinical testing. Allele origin: germline. Affected: yes. Study: VKGL Data-share Consensus. Not counted in ClinVar's aggregate classification.

Diagnostic Laboratory, Department of Genetics, University Medical Center Groningen
Classification: Likely benign. Review status: no assertion criteria provided. Collection method: clinical testing. Allele origin: germline. Affected: yes. Study: VKGL Data-share Consensus. Not counted in ClinVar's aggregate classification.